The following is an entry in ClinVar:

NM_000135.4(FANCA):c.617T>C (p.Val206Ala)

Gene: FANCA (FA complementation group A; minus strand). Cytogenetic location: 16q24.3.
Variant type: single nucleotide variant.
Coding change: c.617T>C on transcript NM_000135.4 (MANE Select); coding-DNA position 617, T replaced by C.
Protein change: p.Val206Ala; replaces valine 206 with alanine.
Molecular consequence: missense variant.
Genome position (GRCh38, 1-based): chr16:89,805,372, A>G on the plus strand (T>C on the coding strand, the complement: FANCA is on the minus strand). VCF-style: chr16-89805372-A-G. GRCh37 (hg19) VCF-style: chr16-89871780-A-G.
Other names: c.617T>C, p.Val206Ala (NM_001018112.3, NM_001286167.3); c.521T>C, p.Val174Ala (NM_001351830.2); c.617T>C (NM_000135.3); short protein forms V174A, V206A.
Identifiers: ClinVar variation 2179427 (VCV002179427.7), dbSNP rs756140322, ClinGen allele CA8252876.

ClinVar aggregate classification (germline): Conflicting classifications of pathogenicity. Review status: criteria provided, conflicting classifications (1 of 4 stars). 3 submissions from 3 submitters: Uncertain significance (2); Likely benign (1). Last evaluated 2025-12-31.

Conditions:
Fanconi anemia (FA). Also called: Fanconi's anemia. Identifiers: Orphanet 84, MedGen C0015625, MeSH D005199, MONDO:0019391.
Inborn genetic diseases. Identifiers: MedGen C0950123, MeSH D030342.

Allele frequency attached by ClinVar (database versions not stated): gnomAD exomes below 0.00001; ExAC 0.00001; gnomAD 0.00001; TOPMed 0.00002.
gnomAD v4.1: 7 of 1,613,740 alleles (0.00043%); highest among the groups gnomAD compares: African/African-American, 0.0053%; no homozygotes.

Submissions (3):

Labcorp Genetics (formerly Invitae), Labcorp
Classification: Likely benign for Fanconi anemia. Last evaluated: 2025-12-31. Review status: criteria provided, single submitter. Criteria: Invitae Variant Classification Sherloc (09022015). Collection method: clinical testing. Allele origin: germline.

Ambry Genetics
Classification: Uncertain significance for Inborn genetic diseases. Last evaluated: 2025-05-14. Review status: criteria provided, single submitter. Criteria: Ambry Variant Classification Scheme 2023. Collection method: clinical testing. Allele origin: germline.

Quest Diagnostics Nichols Institute San Juan Capistrano
Classification: Uncertain significance. Last evaluated: 2023-03-22. Review status: criteria provided, single submitter. Criteria: Quest Diagnostics criteria. Collection method: clinical testing. Allele origin: unknown.
Comment: To the best of our knowledge, the variant has not been reported in the published literature. The frequency of this variant in the general population, 0.00012 (3/24926 chromosomes), is uninformative in assessment of its pathogenicity. Analysis of this variant using bioinformatics tools for the prediction of the effect of amino acid changes on protein structure and function yielded predictions that this variant is benign. Based on the available information, we are unable to determine the clinical significance of this variant.